The following is an entry in ClinVar:

ClinVar aggregate classification (germline): Uncertain significance (1 of 4 stars; one submission).

Submission:

Labcorp Genetics (formerly Invitae), Labcorp
Classification: Uncertain significance. Last evaluated: 2025-05-07. Review status: criteria provided, single submitter. Criteria: Invitae Variant Classification Sherloc (09022015). Collection method: clinical testing. Allele origin: germline.
Comment: This sequence change replaces glutamic acid, which is acidic and polar, with lysine, which is basic and polar, at codon 318 of the GSN protein (p.Glu318Lys). This variant is not present in population databases (gnomAD no frequency). This variant has not been reported in the literature in individuals affected with GSN-related conditions. Invitae Evidence Modeling of protein sequence and biophysical properties (such as structural, functional, and spatial information, amino acid conservation, physicochemical variation, residue mobility, and thermodynamic stability) indicates that this missense variant is not expected to disrupt GSN protein function with a negative predictive value of 80%. In summary, the available evidence is currently insufficient to determine the role of this variant in disease. Therefore, it has been classified as a Variant of Uncertain Significance.

NM_198252.3(GSN):c.799G>A (p.Glu267Lys)

Gene: GSN (gelsolin; plus strand). Cytogenetic location: 9q33.2.
Variant type: single nucleotide variant.
Coding change: c.799G>A on transcript NM_198252.3 (MANE Select); coding-DNA position 799, G replaced by A.
Protein change: p.Glu267Lys; replaces glutamic acid 267 with lysine.
Molecular consequence: missense variant.
Genome position (GRCh38, 1-based): chr9:121,317,131, G>A. VCF-style: chr9-121317131-G-A. GRCh37 (hg19) VCF-style: chr9-124079409-G-A.
Other names: c.799G>A, p.Glu267Lys (NM_001353054.1, NM_001353055.2, NM_001353058.2 and 10 more transcripts); c.832G>A, p.Glu278Lys (NM_001353070.2, NM_001353071.2, NM_001353072.2 and 13 more transcripts); c.871G>A, p.Glu291Lys (NM_001353076.2); c.145G>A, p.Glu49Lys (NM_001353078.2); c.952G>A, p.Glu318Lys (NM_000177.5); c.907G>A, p.Glu303Lys (NM_001127663.2); c.850G>A, p.Glu284Lys (NM_001258029.2); c.823G>A, p.Glu275Lys (NM_001258030.2); short protein forms E284K, E291K, E318K, E278K, E267K, E49K, E275K, E303K.
Identifiers: ClinVar variation 4782123 (VCV004782123.1).